The following is an entry in ClinVar:

ClinVar aggregate classification (germline): Pathogenic (1 of 4 stars; one submission).

Allele frequency attached by ClinVar (database versions not stated): TOPMed below 0.00001; gnomAD 0.00001; gnomAD exomes 0.00002.

Submission:

Labcorp Genetics (formerly Invitae), Labcorp
Classification: Pathogenic. Last evaluated: 2023-12-11. Review status: criteria provided, single submitter. Criteria: Invitae Variant Classification Sherloc (09022015). Collection method: clinical testing. Allele origin: germline.
Comment: This sequence change creates a premature translational stop signal (p.Arg2150Glnfs*30) in the PLCE1 gene. It is expected to result in an absent or disrupted protein product. Loss-of-function variants in PLCE1 are known to be pathogenic (PMID: 17086182, 20591883). This variant is not present in population databases (gnomAD no frequency). This variant has not been reported in the literature in individuals affected with PLCE1-related conditions. For these reasons, this variant has been classified as Pathogenic.

Literature cited by the submitters: PubMed 17086182; PubMed 20591883.

NM_016341.4(PLCE1):c.6449del (p.Arg2150fs)

Genes: NOC3L (NOC3 like DNA replication regulator; minus strand), PLCE1 (phospholipase C epsilon 1; plus strand). Cytogenetic location: 10q23.33.
Variant type: Deletion.
Coding change: c.6449del on transcript NM_016341.4 (MANE Select); coding-DNA position 6449, one base deleted (G; older notation c.6449delG).
Protein change: p.Arg2150fs; shifts the reading frame from arginine 2150.
Molecular consequence: frameshift variant.
Genome position (GRCh38, 1-based): chr10:94,322,007, G deleted. VCF-style (leftmost placement, unchanged base first): chr10-94322006-CG-C. GRCh37 (hg19) VCF-style: chr10-96081763-CG-C.
Other names: c.5525del, p.Arg1842fs (NM_001165979.2); c.6401del, p.Arg2134fs (NM_001288989.2); short protein forms R1842fs, R2134fs, R2150fs.
Identifiers: ClinVar variation 3004254 (VCV003004254.3), dbSNP rs2053825782, ClinGen allele CA931345389.